The following is an entry in ClinVar:

NM_001267550.2(TTN):c.102545A>C (p.Lys34182Thr)

Genes: TTN (titin; minus strand), TTN-AS1 (TTN antisense RNA 1; plus strand). Cytogenetic location: 2q31.2.
Variant type: single nucleotide variant.
Coding change: c.102545A>C on transcript NM_001267550.2 (MANE Select); coding-DNA position 102545, A replaced by C.
Protein change: p.Lys34182Thr; replaces lysine 34182 with threonine.
Molecular consequence: missense variant.
Genome position (GRCh38, 1-based): chr2:178,534,070, T>G on the plus strand (A>C on the coding strand, the complement: TTN is on the minus strand). VCF-style: chr2-178534070-T-G. GRCh37 (hg19) VCF-style: chr2-179398797-T-G.
Other names: c.102545A>C (NM_001267550.1); c.97622A>C, p.Lys32541Thr (NM_001256850.1); c.75350A>C, p.Lys25117Thr (NM_003319.4); c.94841A>C, p.Lys31614Thr (NM_133378.4); c.75725A>C, p.Lys25242Thr (NM_133432.3); c.75926A>C, p.Lys25309Thr (NM_133437.4); short protein forms K32541T, K25117T, K34182T, K25242T, K25309T, K31614T.
Identifiers: ClinVar variation 1346446 (VCV001346446.4), dbSNP rs1348175807, ClinGen allele CA349417298.

ClinVar aggregate classification (germline): Uncertain significance. Review status: criteria provided, multiple submitters, no conflicts (2 of 4 stars). 2 submissions from 2 submitters: Uncertain significance (2). Last evaluated 2024-07-09.

Conditions:
Dilated cardiomyopathy 1G (CMD1G). Identifiers: Orphanet 154, MedGen C1858763, MONDO:0011400, OMIM 604145.
Autosomal recessive limb-girdle muscular dystrophy type 2J (LGMDR10). Also called: Limb-girdle muscular dystrophy, type 2J; MUSCULAR DYSTROPHY, LIMB-GIRDLE, AUTOSOMAL RECESSIVE 10. Identifiers: Orphanet 140922, MedGen C1837342, MONDO:0012127, OMIM 608807.

Allele frequency attached by ClinVar (database versions not stated): gnomAD exomes below 0.00001 and 0.00001.
gnomAD v4.1: 3 of 1,613,966 alleles (0.00019%); highest among the groups gnomAD compares: Non-Finnish European, 0.00025%; no homozygotes.

Submissions (2):

GeneDx
Classification: Uncertain significance. Last evaluated: 2024-07-09. Review status: criteria provided, single submitter. Criteria: GeneDx Variant Classification Process June 2021. Collection method: clinical testing. Allele origin: germline. Affected: yes.
Comment: Not observed at significant frequency in large population cohorts (gnomAD); Missense variant in a gene in which most reported pathogenic variants are truncating/loss of function; Has not been previously published as pathogenic or benign to our knowledge

Labcorp Genetics (formerly Invitae), Labcorp
Classification: Uncertain significance for Dilated cardiomyopathy 1G; Autosomal recessive limb-girdle muscular dystrophy type 2J. Last evaluated: 2021-08-27. Review status: criteria provided, single submitter. Criteria: Invitae Variant Classification Sherloc (09022015). Collection method: clinical testing. Allele origin: germline.